The following is an entry in ClinVar:

ClinVar aggregate classification (germline): Pathogenic (1 of 4 stars; one submission).

Submission:

Labcorp Genetics (formerly Invitae), Labcorp
Classification: Pathogenic. Last evaluated: 2023-03-03. Review status: criteria provided, single submitter. Criteria: Invitae Variant Classification Sherloc (09022015). Collection method: clinical testing. Allele origin: germline.
Comment: For these reasons, this variant has been classified as Pathogenic. Isolated whole-gene deletions of PTHLH have not been reported in the literature. However, larger copy number events that include this gene have been reported (PMID: 20170896). A gross deletion of the genomic region encompassing the full coding sequence of the PTHLH gene has been identified. Loss-of-function variants in PTHLH are known to be pathogenic (PMID: 20170896, 26640227, 26763883). The boundaries of this event are unknown as they extend beyond the assayed region for this gene and therefore may encompass additional genes.

Literature cited by the submitters: PubMed 20170896; PubMed 26640227; PubMed 26763883.

NC_000012.11:g.(?_28111492)_(28122427_?)del

Gene: PTHLH (parathyroid hormone like hormone; minus strand). Cytogenetic location: 12p11.22.
Variant type: Deletion.
Identifiers: ClinVar variation 1458784 (VCV001458784.5).